The following is an entry in ClinVar:

ClinVar aggregate classification (germline): Uncertain significance (1 of 4 stars; one submission).

gnomAD v4.1: 2 of 1,614,246 alleles (0.00012%); highest among the groups gnomAD compares: Non-Finnish European, 0.00017%; no homozygotes.

Submission:

Women's Health and Genetics/Laboratory Corporation of America, LabCorp
Classification: Uncertain significance. Last evaluated: 2026-03-25. Review status: criteria provided, single submitter. Criteria: LabCorp Variant Classification Summary - May 2015. Collection method: clinical testing. Allele origin: germline.
Comment: Variant summary: HIVEP2 c.4620C>A (p.Ser1540Arg) results in a non-conservative amino acid change in the encoded protein sequence. Algorithms developed to predict the effect of missense changes on protein structure and function are either unavailable or do not agree on the potential impact of this missense change. The variant allele was found at a frequency of 8e-06 in 249542 control chromosomes. The available data on variant occurrences in the general population are insufficient to allow any conclusion about variant significance. To our knowledge, no occurrence of c.4620C>A in individuals affected with HIVEP2-related conditions and no experimental evidence demonstrating its impact on protein function have been reported. No submitters have cited clinical-significance assessments for this variant to ClinVar. Based on the evidence outlined above, the variant was classified as uncertain significance.

NM_006734.4(HIVEP2):c.4620C>A (p.Ser1540Arg)

Gene: HIVEP2 (HIVEP zinc finger 2; minus strand). Cytogenetic location: 6q24.2.
Variant type: single nucleotide variant.
Coding change: c.4620C>A on transcript NM_006734.4 (MANE Select); coding-DNA position 4620, C replaced by A.
Protein change: p.Ser1540Arg; replaces serine 1540 with arginine.
Molecular consequence: missense variant.
Genome position (GRCh38, 1-based): chr6:142,770,119, G>T on the plus strand (C>A on the coding strand, the complement: HIVEP2 is on the minus strand). VCF-style: chr6-142770119-G-T. GRCh37 (hg19) VCF-style: chr6-143091256-G-T.
Other names: c.4620C>A, p.Ser1540Arg (NM_001438449.1, NM_001438450.1, NM_001438451.1); short protein forms S1540R.
Identifiers: ClinVar variation 4847688 (VCV004847688.1).